The following is an entry in ClinVar:

NM_001283009.2(RTEL1):c.3455G>A (p.Arg1152Lys)

Genes: RTEL1 (regulator of telomere elongation helicase 1; plus strand), RTEL1-TNFRSF6B (RTEL1-TNFRSF6B readthrough (NMD candidate); plus strand). Cytogenetic location: 20q13.33.
Variant type: single nucleotide variant.
Coding change: c.3455G>A on transcript NM_001283009.2 (MANE Select); coding-DNA position 3455, G replaced by A.
Protein change: p.Arg1152Lys; replaces arginine 1152 with lysine.
Molecular consequence: missense variant. On other transcripts: non-coding transcript variant (1).
Genome position (GRCh38, 1-based): chr20:63,695,177, G>A. VCF-style: chr20-63695177-G-A. GRCh37 (hg19) VCF-style: chr20-62326530-G-A.
Other names: c.2786G>A, p.Arg929Lys (NM_001283010.1); c.3455G>A, p.Arg1152Lys (NM_016434.4); c.3527G>A, p.Arg1176Lys (NM_032957.5); short protein forms R1176K, R929K, R1152K.
Identifiers: ClinVar variation 2163236 (VCV002163236.3), dbSNP rs763777407, ClinGen allele CA9966038.

ClinVar aggregate classification (germline): Uncertain significance. Review status: criteria provided, multiple submitters, no conflicts (2 of 4 stars). 2 submissions from 2 submitters: Uncertain significance (2). Last evaluated 2025-12-02.

Conditions:
Dyskeratosis congenita, autosomal recessive 5 (DKCB5). Identifiers: MedGen C3554656, MONDO:0014076, OMIM 615190.
Pulmonary fibrosis and/or bone marrow failure, Telomere-related, 3. Also called: PULMONARY FIBROSIS AND/OR BONE MARROW FAILURE SYNDROME, TELOMERE-RELATED, 3. Identifiers: Orphanet 2032, MedGen C4225346, MONDO:0014613, OMIM 616373.

Allele frequency attached by ClinVar (database versions not stated): ExAC 0.00001; gnomAD exomes 0.00001; TOPMed 0.00002.
gnomAD v4.1: 22 of 1,612,298 alleles (0.0014%); highest among the groups gnomAD compares: Non-Finnish European, 0.0016%; no homozygotes.

Submissions (2):

Labcorp Genetics (formerly Invitae), Labcorp
Classification: Uncertain significance for Dyskeratosis congenita, autosomal recessive 5; Pulmonary fibrosis and/or bone marrow failure, Telomere-related, 3. Last evaluated: 2025-12-02. Review status: criteria provided, single submitter. Criteria: Invitae Variant Classification Sherloc (09022015). Collection method: clinical testing. Allele origin: germline.
Comment: This sequence change replaces arginine, which is basic and polar, with lysine, which is basic and polar, at codon 1152 of the RTEL1 protein (p.Arg1152Lys). This variant is present in population databases (rs763777407, gnomAD 0.005%). This variant has not been reported in the literature in individuals affected with RTEL1-related conditions. ClinVar contains an entry for this variant (Variation ID: 2163236). An algorithm developed to predict the effect of missense changes on protein structure and function (PolyPhen-2) suggests that this variant is likely to be tolerated. In summary, the available evidence is currently insufficient to determine the role of this variant in disease. Therefore, it has been classified as a Variant of Uncertain Significance.

Blueprint Genetics
Classification: Uncertain significance. Last evaluated: 2024-11-21. Review status: criteria provided, single submitter. Criteria: ACMG Guidelines, 2015. Collection method: clinical testing. Allele origin: germline.